The following is an entry in ClinVar:

NM_033517.1:c.2657A>G

Gene: SHANK3 (SH3 and multiple ankyrin repeat domains 3; plus strand).
Variant type: single nucleotide variant.
Other names: c.2657A>G (NM_033517.1).
Identifiers: ClinVar variation 4088235 (VCV004088235.1).

ClinVar aggregate classification (germline): Uncertain significance (1 of 4 stars; one submission).

Submission:

GeneDx
Classification: Uncertain significance. Last evaluated: 2025-03-28. Review status: criteria provided, single submitter. Criteria: GeneDx Variant Classification Process June 2021. Collection method: clinical testing. Allele origin: germline. Affected: yes.
Comment: Not observed at significant frequency in large population cohorts (gnomAD); In silico analysis indicates that this missense variant does not alter protein structure/function; Has not been previously published as pathogenic or benign to our knowledge